The following is an entry in ClinVar:

ClinVar aggregate classification (germline): Uncertain significance. Review status: criteria provided, multiple submitters, no conflicts (2 of 4 stars). 4 submissions from 4 submitters: Uncertain significance (4). Last evaluated 2026-01-05.

Conditions:
Facial dysmorphism-immunodeficiency-livedo-short stature syndrome. Also called: Facial dysmorphism, immunodeficiency, livedo, and short stature; FILS syndrome. Identifiers: Orphanet 352712, MedGen C3554576, MONDO:0014058, OMIM 615139.
Colorectal cancer, susceptibility to, 12 (CRCS12). Also called: COLORECTAL CANCER, SUSCEPTIBILITY TO, ON CHROMOSOME 12q24. Identifiers: Orphanet 220460, MedGen C3554460, MONDO:0014038, OMIM 615083.
Intrauterine growth retardation, metaphyseal dysplasia, adrenal hypoplasia congenita, genital anomalies, and immunodeficiency. Also called: IMAGEI SYNDROME. Identifiers: MedGen C5193036, MONDO:0032684, OMIM 618336.
Hereditary cancer-predisposing syndrome. Also called: Neoplastic Syndromes, Hereditary; Hereditary Cancer Syndrome; Hereditary neoplastic syndrome; Tumor predisposition. Identifiers: Orphanet 140162, MedGen C0027672, MeSH D009386, MONDO:0015356.

gnomAD v4.1: 3 of 1,614,080 alleles (0.00019%); highest among the groups gnomAD compares: South Asian, 0.0011%; no homozygotes.

Submissions (4):

Labcorp Genetics (formerly Invitae), Labcorp
Classification: Uncertain significance. Last evaluated: 2026-01-05. Review status: criteria provided, single submitter. Criteria: Invitae Variant Classification Sherloc (09022015). Collection method: clinical testing. Allele origin: germline.
Comment: This sequence change replaces lysine, which is basic and polar, with asparagine, which is neutral and polar, at codon 1155 of the POLE protein (p.Lys1155Asn). This variant is not present in population databases (gnomAD no frequency). This variant has not been reported in the literature in individuals affected with POLE-related conditions. ClinVar contains an entry for this variant (Variation ID: 540650). Invitae Evidence Modeling of protein sequence and biophysical properties (such as structural, functional, and spatial information, amino acid conservation, physicochemical variation, residue mobility, and thermodynamic stability) indicates that this missense variant is not expected to disrupt POLE protein function with a negative predictive value of 80%. In summary, the available evidence is currently insufficient to determine the role of this variant in disease. Therefore, it has been classified as a Variant of Uncertain Significance.

Ambry Genetics
Classification: Uncertain significance for Hereditary cancer-predisposing syndrome. Last evaluated: 2025-10-14. Review status: criteria provided, single submitter. Criteria: Ambry Variant Classification Scheme 2023. Collection method: clinical testing. Allele origin: germline.

GeneDx
Classification: Uncertain significance. Last evaluated: 2025-03-24. Review status: criteria provided, single submitter. Criteria: GeneDx Variant Classification Process June 2021. Collection method: clinical testing. Allele origin: germline. Affected: yes.
Comment: Not observed at significant frequency in large population cohorts (gnomAD); In silico analysis supports that this missense variant does not alter protein structure/function; Has not been previously published as pathogenic or benign to our knowledge; This variant is associated with the following publications: (PMID: 27535533)

Department of Pathology and Laboratory Medicine, Sinai Health System
Classification: Uncertain significance for Colorectal cancer, susceptibility to, 12; Facial dysmorphism-immunodeficiency-livedo-short stature syndrome; Intrauterine growth retardation, metaphyseal dysplasia, adrenal hypoplasia congenita, genital anomalies, and immunodeficiency. Last evaluated: 2021-07-30. Review status: criteria provided, single submitter. Criteria: ACMG Guidelines, 2015. Collection method: research. Allele origin: germline.

NM_006231.4(POLE):c.3465G>T (p.Lys1155Asn)

Gene: POLE (DNA polymerase epsilon, catalytic subunit; minus strand). Cytogenetic location: 12q24.33.
Variant type: single nucleotide variant.
Coding change: c.3465G>T on transcript NM_006231.4 (MANE Select); coding-DNA position 3465, G replaced by T.
Protein change: p.Lys1155Asn; replaces lysine 1155 with asparagine.
Molecular consequence: missense variant.
Genome position (GRCh38, 1-based): chr12:132,657,253, C>A on the plus strand (G>T on the coding strand, the complement: POLE is on the minus strand). VCF-style: chr12-132657253-C-A. GRCh37 (hg19) VCF-style: chr12-133233839-C-A.
Other names: c.3465G>T (NM_006231.2); short protein forms K1155N.
Identifiers: ClinVar variation 540650 (VCV000540650.16), dbSNP rs1449239461, ClinGen allele CA387388818.